The following is an entry in ClinVar:

NM_000168.6(GLI3):c.1348G>T (p.Gly450Trp)

Gene: GLI3 (GLI family zinc finger 3; minus strand). Cytogenetic location: 7p14.1.
Variant type: single nucleotide variant.
Coding change: c.1348G>T on transcript NM_000168.6 (MANE Select); coding-DNA position 1348, G replaced by T.
Protein change: p.Gly450Trp; replaces glycine 450 with tryptophan.
Molecular consequence: missense variant.
Genome position (GRCh38, 1-based): chr7:42,025,272, C>A on the plus strand (G>T on the coding strand, the complement: GLI3 is on the minus strand). VCF-style: chr7-42025272-C-A. GRCh37 (hg19) VCF-style: chr7-42064871-C-A.
Other names: short protein forms G450W.
Identifiers: ClinVar variation 2944943 (VCV002944943.3), dbSNP rs747097723, ClinGen allele CA4230882.

ClinVar aggregate classification (germline): Uncertain significance (1 of 4 stars; one submission).

Conditions:
Pallister-Hall syndrome (PHS). Also called: HYPOTHALAMIC HAMARTOBLASTOMA, HYPOPITUITARISM, IMPERFORATE ANUS, AND POSTAXIAL POLYDACTYLY; GLI3-Related Pallister-Hall Syndrome. Identifiers: Orphanet 672, MedGen C0265220, MONDO:0007804, OMIM 146510.
Greig cephalopolysyndactyly syndrome (GCPS). Also called: POLYSYNDACTYLY WITH PECULIAR SKULL SHAPE; Greig syndrome; GLI3-Related Greig Cephalopolysyndactyly Syndrome. Identifiers: Orphanet 380, MedGen C0265306, MONDO:0008287, OMIM 175700.

gnomAD v4.1: 4 of 1,611,928 alleles (0.00025%); highest among the groups gnomAD compares: Non-Finnish European, 0.00034%; no homozygotes.

Submission:

Labcorp Genetics (formerly Invitae), Labcorp
Classification: Uncertain significance for Pallister-Hall syndrome; Greig cephalopolysyndactyly syndrome. Last evaluated: 2023-03-04. Review status: criteria provided, single submitter. Criteria: Invitae Variant Classification Sherloc (09022015). Collection method: clinical testing. Allele origin: germline.
Comment: This variant is present in population databases (rs747097723, gnomAD 0.003%). In summary, the available evidence is currently insufficient to determine the role of this variant in disease. Therefore, it has been classified as a Variant of Uncertain Significance. Advanced modeling of protein sequence and biophysical properties (such as structural, functional, and spatial information, amino acid conservation, physicochemical variation, residue mobility, and thermodynamic stability) has been performed at Invitae for this missense variant, however the output from this modeling did not meet the statistical confidence thresholds required to predict the impact of this variant on GLI3 protein function. This variant has not been reported in the literature in individuals affected with GLI3-related conditions. This sequence change replaces glycine, which is neutral and non-polar, with tryptophan, which is neutral and slightly polar, at codon 450 of the GLI3 protein (p.Gly450Trp).